The following is an entry in ClinVar:

ClinVar aggregate classification (germline): Uncertain significance (1 of 4 stars; one submission).

Conditions:
Hypoplastic left heart syndrome. Also called: Hypoplastic left heart; Hypoplastic left ventricle. Identifiers: Orphanet 2248, MedGen C0152101, MONDO:0004933, HP:0004383.

Submission:

Labcorp Genetics (formerly Invitae), Labcorp
Classification: Uncertain significance for Hypoplastic left heart syndrome. Last evaluated: 2025-10-23. Review status: criteria provided, single submitter. Criteria: Invitae Variant Classification Sherloc (09022015). Collection method: clinical testing. Allele origin: germline.
Comment: This sequence change replaces alanine, which is neutral and non-polar, with threonine, which is neutral and polar, at codon 52 of the HAND1 protein (p.Ala52Thr). The frequency data for this variant in the population databases is considered unreliable, as metrics indicate poor data quality at this position in the gnomAD database. This variant has not been reported in the literature in individuals affected with HAND1-related conditions. ClinVar contains an entry for this variant (Variation ID: 3687537). An algorithm developed to predict the effect of missense changes on protein structure and function (PolyPhen-2) suggests that this variant is likely to be tolerated. In summary, the available evidence is currently insufficient to determine the role of this variant in disease. Therefore, it has been classified as a Variant of Uncertain Significance.

NM_004821.3(HAND1):c.154G>A (p.Ala52Thr)

Gene: HAND1 (heart and neural crest derivatives expressed 1; minus strand). Cytogenetic location: 5q33.2.
Variant type: single nucleotide variant.
Coding change: c.154G>A on transcript NM_004821.3 (MANE Select); coding-DNA position 154, G replaced by A.
Protein change: p.Ala52Thr; replaces alanine 52 with threonine.
Molecular consequence: missense variant.
Genome position (GRCh38, 1-based): chr5:154,477,855, C>T on the plus strand (G>A on the coding strand, the complement: HAND1 is on the minus strand). VCF-style: chr5-154477855-C-T. GRCh37 (hg19) VCF-style: chr5-153857415-C-T.
Other names: short protein forms A52T.
Identifiers: ClinVar variation 3687537 (VCV003687537.2).